The following is an entry in ClinVar:

ClinVar aggregate classification (germline): Conflicting classifications of pathogenicity. Review status: criteria provided, conflicting classifications (1 of 4 stars). 4 submissions from 4 submitters: Uncertain significance (3); Likely benign (1). Last evaluated 2025-07-23.

Conditions:
Adenylosuccinate lyase deficiency (ADSLD). Also called: ADSL DEFICIENCY. Identifiers: Orphanet 46, MedGen C0268126, MONDO:0007068, OMIM 103050.

Allele frequency attached by ClinVar (database versions not stated): gnomAD exomes 0.00006 and 0.00015; ExAC 0.00008; TOPMed 0.00008; gnomAD 0.00009 and 0.00010; ESP Exome Variant Server 0.00023.
gnomAD v4.1: 103 of 1,613,976 alleles (0.0064%); highest among the groups gnomAD compares: African/African-American, 0.0027%; no homozygotes.

Submissions (4):

Labcorp Genetics (formerly Invitae), Labcorp
Classification: Likely benign for Adenylosuccinate lyase deficiency. Last evaluated: 2025-07-23. Review status: criteria provided, single submitter. Criteria: Invitae Variant Classification Sherloc (09022015). Collection method: clinical testing. Allele origin: germline.

Genomic Diagnostic Laboratory, Division of Genomic Diagnostics, Children's Hospital of Philadelphia
Classification: Uncertain significance. Last evaluated: 2015-10-12. Review status: criteria provided, single submitter. Criteria: DGD Variant Analysis Guidelines. Collection method: clinical testing. Allele origin: unknown.

Eurofins Ntd Llc (ga)
Classification: Uncertain significance. Last evaluated: 2015-10-02. Review status: criteria provided, single submitter. Criteria: EGL Classification Definitions 2015. Collection method: clinical testing. Allele origin: germline. Observed: 1 variant allele, 1 heterozygote.

GeneDx
Classification: Uncertain significance. Last evaluated: 2013-06-18. Review status: criteria provided, single submitter. Criteria: GeneDx Variant Classification (06012015). Collection method: clinical testing. Allele origin: germline. Affected: yes.
Comment: p.Ala431Thr (GCC>ACC): c.1291 G>A in exon 12 of the ADSL gene (NM_000026.2) The Ala431Thr missense change has not been published as a mutation, nor has it been reported as a benign polymorphism to our knowledge. It is a non-conservative amino acid substitution as a non-polar Alanine residue is replaced with a polar Threonine residue. However, it alters a poorly conserved position in the ADSL protein and in related proteins. In silico analyses are not consistent in their prediction of whether or not Ala431Thr is damaging to the structure/function of the ADSL protein. Therefore, based on the currently available information, it is unclear whether Ala431Thr is a disease-causing mutation or a rare benign variant. The variant is found in INFANT-EPI panel(s).

NM_000026.4(ADSL):c.1291G>A (p.Ala431Thr)

Gene: ADSL (adenylosuccinate lyase; plus strand). Cytogenetic location: 22q13.1.
Variant type: single nucleotide variant.
Coding change: c.1291G>A on transcript NM_000026.4 (MANE Select); coding-DNA position 1291, G replaced by A.
Protein change: p.Ala431Thr; replaces alanine 431 with threonine.
Molecular consequence: missense variant. On other transcripts: non-coding transcript variant (1), intron variant (1).
Genome position (GRCh38, 1-based): chr22:40,364,979, G>A. VCF-style: chr22-40364979-G-A. GRCh37 (hg19) VCF-style: chr22-40760983-G-A.
Other names: p.A431T:GCC>ACC; c.1099G>A, p.Ala367Thr (NM_001317923.2); c.1291G>A, p.Ala431Thr (NM_001363840.3); c.1191+614G>A (NM_001123378.3); short protein forms A431T, A367T.
Identifiers: ClinVar variation 204800 (VCV000204800.17), dbSNP rs200814886, ClinGen allele CA313118.
Genomic context (GRCh38, chr22:40,364,979, plus strand): 5'-GCTTCTGTGGTTAAGCAGGAAGGGGGTGACAATGACCTCATAGAGCGTATCCAGGTTGAT[G>A]CCTACTTCAGTCCCATTCACTCCCAGTTGGATCATTTACTGGATCCTTCTTCTTTCACTG-3'
Protein context (NP_000017.1, residues 421-441): NDLIERIQVD[Ala431Thr]YFSPIHSQLD